The following is an entry in ClinVar:

NM_003924.4(PHOX2B):c.709G>T (p.Gly237Cys)

Gene: PHOX2B (paired like homeobox 2B; minus strand). Cytogenetic location: 4p13.
Variant type: single nucleotide variant.
Coding change: c.709G>T on transcript NM_003924.4 (MANE Select); coding-DNA position 709, G replaced by T.
Protein change: p.Gly237Cys; replaces glycine 237 with cysteine.
Molecular consequence: missense variant.
Genome position (GRCh38, 1-based): chr4:41,746,043, C>A on the plus strand (G>T on the coding strand, the complement: PHOX2B is on the minus strand). VCF-style: chr4-41746043-C-A. GRCh37 (hg19) VCF-style: chr4-41748060-C-A.
Other names: short protein forms G237C.
Identifiers: ClinVar variation 1714247 (VCV001714247.5), dbSNP rs1256766962, ClinGen allele CA356737317.

ClinVar aggregate classification (germline): Uncertain significance (1 of 4 stars; one submission).

Conditions:
Haddad syndrome (OHD). Also called: Ondine-Hirschsprung disease. Identifiers: Orphanet 99803, MedGen C1859049, MONDO:0020493.

Submission:

Labcorp Genetics (formerly Invitae), Labcorp
Classification: Uncertain significance for Haddad syndrome. Last evaluated: 2022-07-30. Review status: criteria provided, single submitter. Criteria: Invitae Variant Classification Sherloc (09022015). Collection method: clinical testing. Allele origin: germline.
Comment: This sequence change replaces glycine, which is neutral and non-polar, with cysteine, which is neutral and slightly polar, at codon 237 of the PHOX2B protein (p.Gly237Cys). This variant is not present in population databases (gnomAD no frequency). This variant has not been reported in the literature in individuals affected with PHOX2B-related conditions. Algorithms developed to predict the effect of missense changes on protein structure and function are either unavailable or do not agree on the potential impact of this missense change (SIFT: "Deleterious"; PolyPhen-2: "Not Available"; Align-GVGD: "Class C0"). In summary, the available evidence is currently insufficient to determine the role of this variant in disease. Therefore, it has been classified as a Variant of Uncertain Significance.